The following is an entry in ClinVar:

NM_032043.3(BRIP1):c.1474-7C>T

Gene: BRIP1 (BRCA1 interacting DNA helicase 1; minus strand). Cytogenetic location: 17q23.2.
Variant type: single nucleotide variant.
Coding change: c.1474-7C>T on transcript NM_032043.3 (MANE Select); 7 bases into the intron before coding-DNA position 1474, C replaced by T.
Molecular consequence: intron variant.
Genome position (GRCh38, 1-based): chr17:61,784,431, G>A on the plus strand (C>T on the coding strand, the complement: BRIP1 is on the minus strand). VCF-style: chr17-61784431-G-A. GRCh37 (hg19) VCF-style: chr17-59861792-G-A.
Identifiers: ClinVar variation 1528533 (VCV001528533.10), dbSNP rs886041146, ClinGen allele CA2573154330.

ClinVar aggregate classification (germline): Likely benign. Review status: criteria provided, multiple submitters, no conflicts (2 of 4 stars). 2 submissions from 2 submitters: Likely benign (2). Last evaluated 2024-08-28.

Conditions:
Familial cancer of breast. Also called: Hereditary breast cancer; BREAST CANCER, FAMILIAL; hereditary breast carcinoma. Identifiers: Orphanet 227535, MedGen C0346153, MONDO:0016419, OMIM 114480. Disease mechanism: loss of function.
Fanconi anemia complementation group J. Also called: BRIP1-Related Fanconi Anemia. Identifiers: Orphanet 84, MedGen C1836860, MONDO:0012187, OMIM 609054.

Allele frequency attached by ClinVar (database versions not stated): gnomAD exomes below 0.00001.
gnomAD v4.1: 5 of 1,609,998 alleles (0.00031%); highest among the groups gnomAD compares: Non-Finnish European, 0.00042%; no homozygotes.

Submissions (2):

Myriad Genetics, Inc.
Classification: Likely benign for Familial cancer of breast. Last evaluated: 2024-08-28. Review status: criteria provided, single submitter. Criteria: Myriad Autosomal Dominant, Autosomal Recessive and X-Linked Classification Criteria (2023). Collection method: clinical testing. Allele origin: unknown.
Comment: This variant is considered likely benign. This variant is intronic and is not expected to impact mRNA splicing.

Labcorp Genetics (formerly Invitae), Labcorp
Classification: Likely benign for Familial cancer of breast; Fanconi anemia complementation group J. Last evaluated: 2022-06-20. Review status: criteria provided, single submitter. Criteria: Invitae Variant Classification Sherloc (09022015). Collection method: clinical testing. Allele origin: germline.